The following is an entry in ClinVar:

NM_018713.3(SLC30A10):c.640+10G>A

Gene: SLC30A10 (solute carrier family 30 member 10; minus strand). Cytogenetic location: 1q41.
Variant type: single nucleotide variant.
Coding change: c.640+10G>A on transcript NM_018713.3 (MANE Select); 10 bases into the intron after coding-DNA position 640, G replaced by A.
Molecular consequence: intron variant.
Genome position (GRCh38, 1-based): chr1:219,927,791, C>T on the plus strand (G>A on the coding strand, the complement: SLC30A10 is on the minus strand). VCF-style: chr1-219927791-C-T. GRCh37 (hg19) VCF-style: chr1-220101133-C-T.
Other names: p.?; c.452-686G>A (NM_001376929.1).
Identifiers: ClinVar variation 295590 (VCV000295590.22), dbSNP rs79328219, ClinGen allele CA1399293.

ClinVar aggregate classification (germline): Benign/Likely benign. Review status: criteria provided, multiple submitters, no conflicts (2 of 4 stars). 8 submissions from 8 submitters: Benign (4); Likely benign (2). 2 of the submissions do not count toward it. Last evaluated 2026-09-01.

Conditions:
Hypermanganesemia with dystonia, polycythemia, and cirrhosis (HMNDYT1). Also called: Hepatic Cirrhosis, Dystonia, Polycythemia and Hypermanganesemia; Hypermanganesemia with Dystonia 1; Cirrhosis - dystonia - polycythemia - hypermanganesemia syndrome. Identifiers: Orphanet 309854, MedGen C2750442, MONDO:0013208, OMIM 613280.

Allele frequency attached by ClinVar (database versions not stated): 1000 Genomes Project 0.00839; gnomAD 0.00919 and 0.00931; 1000 Genomes Project 30x 0.00921; ESP Exome Variant Server 0.01003; TOPMed 0.01070; ExAC 0.01358.
gnomAD v4.1: 12,004 of 1,532,080 alleles (0.78%); highest among the groups gnomAD compares: Middle Eastern, 4.4%; 87 homozygotes.

Submissions (8):

CeGaT Center for Human Genetics Tuebingen
Classification: Benign. Last evaluated: 2026-09-01. Review status: criteria provided, single submitter. Criteria: CeGaT Center For Human Genetics Tuebingen Variant Classification Criteria Version 2. Collection method: clinical testing. Allele origin: germline. Affected: yes. Observed: 6 variant alleles.
Comment: SLC30A10: BS1, BS2

Labcorp Genetics (formerly Invitae), Labcorp
Classification: Benign. Last evaluated: 2026-02-01. Review status: criteria provided, single submitter. Criteria: Invitae Variant Classification Sherloc (09022015). Collection method: clinical testing. Allele origin: germline.

Mayo Clinic Laboratories, Mayo Clinic
Classification: Benign. Last evaluated: 2023-05-11. Review status: criteria provided, single submitter. Criteria: ACMG Guidelines, 2015. Collection method: clinical testing. Allele origin: germline. Observed: 13 variant alleles.
Comment: BS1, BS2, BP4, BP7

GeneDx
Classification: Likely benign. Last evaluated: 2018-09-26. Review status: criteria provided, single submitter. Criteria: GeneDx Variant Classification Process June 2021. Collection method: clinical testing. Allele origin: germline. Affected: yes.

Illumina Laboratory Services, Illumina
Classification: Benign for Hypermanganesemia with dystonia, polycythemia, and cirrhosis. Last evaluated: 2018-01-13. Review status: criteria provided, single submitter. Criteria: ICSL Variant Classification Criteria 13 December 2019. Collection method: clinical testing. Allele origin: germline.
Comment: This variant was observed in the ICSL laboratory as part of a predisposition screen in an ostensibly healthy population. It had not been previously curated by ICSL or reported in the Human Gene Mutation Database (HGMD: prior to June 1st, 2018), and was therefore a candidate for classification through an automated scoring system. Utilizing variant allele frequency, disease prevalence and penetrance estimates, and inheritance mode, an automated score was calculated to assess if this variant is too frequent to cause the disease. Based on the score and internal cut-off values, a variant classified as benign is not then subjected to further curation. The score for this variant resulted in a classification of benign for this disease.

Breakthrough Genomics
Classification: Likely benign. Review status: criteria provided, single submitter. Criteria: ACMG Guidelines, 2015. Collection method: not provided. Allele origin: germline. Inheritance: Autosomal recessive inheritance. Affected: yes.

Clinical Genetics DNA and cytogenetics Diagnostics Lab, Erasmus MC, Erasmus Medical Center
Classification: Likely benign. Review status: no assertion criteria provided. Collection method: clinical testing. Allele origin: germline. Affected: yes. Study: VKGL Data-share Consensus. Not counted in ClinVar's aggregate classification.

Genome Diagnostics Laboratory, Amsterdam University Medical Center
Classification: Likely benign. Review status: no assertion criteria provided. Collection method: clinical testing. Allele origin: germline. Affected: yes. Study: VKGL Data-share Consensus. Not counted in ClinVar's aggregate classification.